The following is an entry in ClinVar:

ClinVar aggregate classification (germline): Uncertain significance (1 of 4 stars; one submission).

Conditions:
Cardiac arrhythmia. Also called: Arrhythmia; Cardiac rhythm disease. Identifiers: MedGen C0003811, MONDO:0007263, HP:0011675.

Submission:

Color Diagnostics, LLC DBA Color Health
Classification: Uncertain significance for Cardiac arrhythmia. Last evaluated: 2025-07-21. Review status: criteria provided, single submitter. Criteria: ACMG Guidelines, 2015. Collection method: clinical testing. Allele origin: germline.
Comment: This variant results in the replacement of 2 consecutive amino acids with 6 novel amino acids in the KCNH2 protein (p.Asp1106_Ser1107delinsGlyGluGlyLysLeuGln). To our knowledge, functional studies have not been reported for this variant. This variant has not been reported in individuals affected with KCNH2-related disorders in the literature. This variant has not been identified in the general population by the Genome Aggregation Database (gnomAD). The available evidence is insufficient to determine the role of this variant in disease conclusively. Therefore, this variant is classified as a Variant of Uncertain Significance.

NM_000238.4(KCNH2):c.3317_3320delinsGTGAGGGTAAGCTCCA (p.Asp1106_Ser1107delinsGlyGluGlyLysLeuGln)

Gene: KCNH2 (potassium voltage-gated channel subfamily H member 2; minus strand). Cytogenetic location: 7q36.1.
Variant type: Indel.
Coding change: c.3317_3320delinsGTGAGGGTAAGCTCCA on transcript NM_000238.4 (MANE Select); coding-DNA positions 3317 to 3320, ACTC replaced by GTGAGGGTAAGCTCCA.
Protein change: p.Asp1106_Ser1107delinsGlyGluGlyLysLeuGln.
Molecular consequence: inframe indel. On other transcripts: non-coding transcript variant (2).
Genome position (GRCh38, 1-based): chr7:150,946,887-150,946,890, GAGT replaced by TGGAGCTTACCCTCAC on the plus strand (ACTC replaced by GTGAGGGTAAGCTCCA on the coding strand, the reverse complement: KCNH2 is on the minus strand). VCF-style: chr7-150946887-GAGT-TGGAGCTTACCCTCAC. GRCh37 (hg19) VCF-style: chr7-150643975-GAGT-TGGAGCTTACCCTCAC.
Other names: c.3029_3032delinsGTGAGGGTAAGCTCCA, p.Asp1010_Ser1011delinsGlyGluGlyLysLeuGln (NM_001406753.1); c.2297_2300delinsGTGAGGGTAAGCTCCA, p.Asp766_Ser767delinsGlyGluGlyLysLeuGln (NM_172057.3).
Identifiers: ClinVar variation 4757666 (VCV004757666.1).